The following is an entry in ClinVar:

NM_000018.4(ACADVL):c.1640del (p.Val547fs)

Gene: ACADVL (acyl-CoA dehydrogenase very long chain; plus strand). Cytogenetic location: 17p13.1.
Variant type: Deletion.
Coding change: c.1640del on transcript NM_000018.4 (MANE Select); coding-DNA position 1640, one base deleted (T; older notation c.1640delT).
Protein change: p.Val547fs; shifts the reading frame from valine 547.
Molecular consequence: frameshift variant.
Genome position (GRCh38, 1-based): chr17:7,224,514, T deleted. VCF-style (leftmost placement, unchanged base first): chr17-7224513-GT-G. GRCh37 (hg19) VCF-style: chr17-7127832-GT-G.
Other names: c.1574del, p.Val525fs (NM_001033859.3); c.1709del, p.Val570fs (NM_001270447.2); c.1412del, p.Val471fs (NM_001270448.2); short protein forms V525fs, V471fs, V547fs, V570fs.
Identifiers: ClinVar variation 2698882 (VCV002698882.3), dbSNP rs2508361633, ClinGen allele CA2697559355.

ClinVar aggregate classification (germline): Pathogenic (1 of 4 stars; one submission).

Conditions:
Very long chain acyl-CoA dehydrogenase deficiency (ACADVLD). Also called: Very Long-Chain Acyl-Coenzyme A Dehydrogenase Deficiency; VLCAD Deficiency. Identifiers: Orphanet 26793, MedGen C3887523, MONDO:0008723, OMIM 201475.

Submission:

Labcorp Genetics (formerly Invitae), Labcorp
Classification: Pathogenic for Very long chain acyl-CoA dehydrogenase deficiency. Last evaluated: 2023-11-25. Review status: criteria provided, single submitter. Criteria: Invitae Variant Classification Sherloc (09022015). Collection method: clinical testing. Allele origin: germline.
Comment: This sequence change creates a premature translational stop signal (p.Val547Glyfs*5) in the ACADVL gene. It is expected to result in an absent or disrupted protein product. Loss-of-function variants in ACADVL are known to be pathogenic (PMID: 9973285, 11590124). This variant is not present in population databases (gnomAD no frequency). This variant has not been reported in the literature in individuals affected with ACADVL-related conditions. Algorithms developed to predict the effect of sequence changes on RNA splicing suggest that this variant may disrupt the consensus splice site. For these reasons, this variant has been classified as Pathogenic.

Literature cited by the submitters: PubMed 9973285; PubMed 11590124.